The following is an entry in ClinVar:

ClinVar aggregate classification (germline): Likely benign (1 of 4 stars; one submission).

Conditions:
Ectopia lentis 2, isolated, autosomal recessive (ECTOL2). Identifiers: Orphanet 1885, MedGen C3541474, MONDO:0009152, OMIM 225100.

Allele frequency attached by ClinVar (database versions not stated): gnomAD 0.00007 and 0.00010; gnomAD exomes 0.00008; TOPMed 0.00009; 1000 Genomes Project 0.00060; 1000 Genomes Project 30x 0.00062.

Submission:

Illumina Laboratory Services, Illumina
Classification: Likely benign for Ectopia lentis 2, isolated, autosomal recessive. Last evaluated: 2018-01-13. Review status: criteria provided, single submitter. Criteria: ICSL Variant Classification Criteria 13 December 2019. Collection method: clinical testing. Allele origin: germline.
Comment: This variant was observed in the ICSL laboratory as part of a predisposition screen in an ostensibly healthy population. It had not been previously curated by ICSL or reported in the Human Gene Mutation Database (HGMD: prior to June 1st, 2018), and was therefore a candidate for classification through an automated scoring system. Utilizing variant allele frequency, disease prevalence and penetrance estimates, and inheritance mode, an automated score was calculated to assess if this variant is too frequent to cause the disease. Based on the score and internal cut-off values, a variant classified as likely benign is not then subjected to further curation. The score for this variant resulted in a classification of likely benign for this disease.

NM_019032.6(ADAMTSL4):c.*126G>A

Gene: ADAMTSL4 (ADAMTS like 4; plus strand). Cytogenetic location: 1q21.2.
Variant type: single nucleotide variant.
Coding change: c.*126G>A on transcript NM_019032.6 (MANE Select); 126 bases downstream of the stop codon, G replaced by A.
Molecular consequence: 3 prime UTR variant.
Genome position (GRCh38, 1-based): chr1:150,560,322, G>A. VCF-style: chr1-150560322-G-A. GRCh37 (hg19) VCF-style: chr1-150532798-G-A.
Other names: c.*126G>A (NM_001288607.2, NM_001288608.2, NM_001378596.1).
Identifiers: ClinVar variation 292569 (VCV000292569.5), dbSNP rs117403663, ClinGen allele CA10608108.
Genomic context (GRCh38, chr1:150,560,322, plus strand): 5'-TGAACCCCCTGGCTCTCCAGCCTGTCCCAGTCTCAGCAGGGATGTCCTCCAGGTGACAGA[G>A]GGTGGCAAGGTGACTGACACAAAGTGACTTTCAGGGCTGTGGTCAGGCCCATGTGGTGGT-3'